The following is an entry in ClinVar:

ClinVar aggregate classification (germline): Likely pathogenic (1 of 4 stars; one submission).

Conditions:
Spermatogenic failure 45. Identifiers: MedGen C5436791, MONDO:0033671, OMIM 619094.

gnomAD v4.1: 3 of 1,614,248 alleles (0.00019%); highest among the groups gnomAD compares: Non-Finnish European, 0.00025%; no homozygotes.

Submission:

First Genomix Gene Laboratory, Genetic Diagnostics Department
Classification: Likely pathogenic for Spermatogenic failure 45. Last evaluated: 2025-08-04. Review status: criteria provided, single submitter. Criteria: ACMG Guidelines, 2015. Collection method: clinical testing. Allele origin: germline. Inheritance: Autosomal recessive inheritance. Affected: no. Observed: 1 variant allele.

NM_020877.5(DNAH2):c.3226C>T (p.Gln1076Ter)

Gene: DNAH2 (dynein axonemal heavy chain 2; plus strand). Cytogenetic location: 17p13.1.
Variant type: single nucleotide variant.
Coding change: c.3226C>T on transcript NM_020877.5 (MANE Select); coding-DNA position 3226, C replaced by T.
Protein change: p.Gln1076Ter; replaces glutamine 1076 with a stop codon.
Molecular consequence: nonsense.
Genome position (GRCh38, 1-based): chr17:7,764,163, C>T. VCF-style: chr17-7764163-C-T. GRCh37 (hg19) VCF-style: chr17-7667481-C-T.
Other names: short protein forms Q1076*.
Identifiers: ClinVar variation 4850581 (VCV004850581.1).